The following is an entry in ClinVar:

ClinVar aggregate classification (germline): Likely benign. Review status: criteria provided, multiple submitters, no conflicts (2 of 4 stars). 2 submissions from 2 submitters: Likely benign (2). Last evaluated 2024-06-22.

Conditions:
Benign neonatal seizures. Also called: Benign familial neonatal epilepsy; Convulsions benign familial neonatal dominant form; Autosomal dominant form of benign neonatal seizures; Benign familial neonatal seizures; Benign neonatal familial convulsions. Identifiers: Orphanet 1949, MedGen C0220669, MONDO:0016027.

Allele frequency attached by ClinVar (database versions not stated): gnomAD exomes below 0.00001; ExAC 0.00001.
gnomAD v4.1: 2 of 1,591,330 alleles (0.00013%); highest among the groups gnomAD compares: Non-Finnish European, 0.00017%; no homozygotes.

Submissions (2):

Labcorp Genetics (formerly Invitae), Labcorp
Classification: Likely benign for Benign neonatal seizures. Last evaluated: 2024-06-22. Review status: criteria provided, single submitter. Criteria: Invitae Variant Classification Sherloc (09022015). Collection method: clinical testing. Allele origin: germline.

GeneDx
Classification: Likely benign. Last evaluated: 2017-08-30. Review status: criteria provided, single submitter. Criteria: GeneDx Variant Classification (06012015). Collection method: clinical testing. Allele origin: germline. Affected: yes.
Comment: This variant is considered likely benign or benign based on one or more of the following criteria: it is a conservative change, it occurs at a poorly conserved position in the protein, it is predicted to be benign by multiple in silico algorithms, and/or has population frequency not consistent with disease.

NM_004519.4(KCNQ3):c.387-12C>A

Gene: KCNQ3 (potassium voltage-gated channel subfamily Q member 3; minus strand). Cytogenetic location: 8q24.22.
Variant type: single nucleotide variant.
Coding change: c.387-12C>A on transcript NM_004519.4 (MANE Select); 12 bases into the intron before coding-DNA position 387, C replaced by A.
Molecular consequence: intron variant.
Genome position (GRCh38, 1-based): chr8:132,186,193, G>T on the plus strand (C>A on the coding strand, the complement: KCNQ3 is on the minus strand). VCF-style: chr8-132186193-G-T. GRCh37 (hg19) VCF-style: chr8-133198440-G-T.
Other names: c.27-12C>A (NM_001204824.2).
Identifiers: ClinVar variation 511722 (VCV000511722.3), dbSNP rs773400738, ClinGen allele CA4880931.